The following is an entry in ClinVar:

ClinVar aggregate classification (germline): Uncertain significance (1 of 4 stars; one submission).

Submission:

Labcorp Genetics (formerly Invitae), Labcorp
Classification: Uncertain significance. Last evaluated: 2025-08-29. Review status: criteria provided, single submitter. Criteria: Invitae Variant Classification Sherloc (09022015). Collection method: clinical testing. Allele origin: germline.
Comment: This sequence change replaces tyrosine, which is neutral and polar, with cysteine, which is neutral and slightly polar, at codon 258 of the DEAF1 protein (p.Tyr258Cys). Information on the frequency of this variant in the gnomAD database is not available, as this variant may be reported differently in the database. This variant has not been reported in the literature in individuals affected with DEAF1-related conditions. An algorithm developed to predict the effect of missense changes on protein structure and function (PolyPhen-2) suggests that this variant is likely to be disruptive. In summary, the available evidence is currently insufficient to determine the role of this variant in disease. Therefore, it has been classified as a Variant of Uncertain Significance.

NM_021008.4(DEAF1):c.773_774inv (p.Tyr258Cys)

Gene: DEAF1 (DEAF1 transcription factor; minus strand). Cytogenetic location: 11p15.5.
Variant type: Inversion.
Coding change: c.773_774inv on transcript NM_021008.4 (MANE Select).
Protein change: p.Tyr258Cys; replaces tyrosine 258 with cysteine.
Molecular consequence: missense variant. On other transcripts: intron variant (1).
Genome position: GRCh38 VCF-style: chr11-686888-GT-AC. GRCh37 (hg19) VCF-style: chr11-686888-GT-AC.
Other names: c.47_48inv, p.Tyr16Cys (NM_001367390.1, NM_001440885.1, NM_001440886.1 and 1 more transcripts); c.773_774inv, p.Tyr258Cys (NM_001440883.1, NM_001440884.1); c.664+1022_664+1023inv (NM_001293634.2); short protein forms Y16C, Y258C.
Identifiers: ClinVar variation 4722940 (VCV004722940.1).